The following is an entry in ClinVar:

ClinVar aggregate classification (germline): Uncertain significance (1 of 4 stars; one submission).

Conditions:
Hereditary cancer-predisposing syndrome. Also called: Hereditary Cancer Syndrome; Hereditary neoplastic syndrome; Neoplastic Syndromes, Hereditary; Tumor predisposition. Identifiers: Orphanet 140162, MedGen C0027672, MeSH D009386, MONDO:0015356.

Allele frequency attached by ClinVar (database versions not stated): gnomAD exomes below 0.00001.
gnomAD v4.1: 1 of 1,614,012 alleles (0.000062%); highest among the groups gnomAD compares: Admixed American, 0.0017%; no homozygotes.

Submission:

Ambry Genetics
Classification: Uncertain significance for Hereditary cancer-predisposing syndrome. Last evaluated: 2024-02-27. Review status: criteria provided, single submitter. Criteria: Ambry Variant Classification Scheme 2023. Collection method: clinical testing. Allele origin: germline.
Comment: The p.K322Q variant (also known as c.964A>C), located in coding exon 8 of the BMPR1A gene, results from an A to C substitution at nucleotide position 964. The lysine at codon 322 is replaced by glutamine, an amino acid with similar properties. This amino acid position is well conserved in available vertebrate species. In addition, this alteration is predicted to be tolerated by in silico analysis. Based on the available evidence, the clinical significance of this alteration remains unclear.

NM_004329.3(BMPR1A):c.964A>C (p.Lys322Gln)

Gene: BMPR1A (bone morphogenetic protein receptor type 1A; plus strand). Cytogenetic location: 10q23.2.
Variant type: single nucleotide variant.
Coding change: c.964A>C on transcript NM_004329.3 (MANE Select); coding-DNA position 964, A replaced by C.
Protein change: p.Lys322Gln; replaces lysine 322 with glutamine.
Molecular consequence: missense variant.
Genome position (GRCh38, 1-based): chr10:86,919,267, A>C. VCF-style: chr10-86919267-A-C. GRCh37 (hg19) VCF-style: chr10-88679024-A-C.
Other names: c.1039A>C, p.Lys347Gln (NM_001406559.1); c.1012A>C, p.Lys338Gln (NM_001406560.1); c.964A>C, p.Lys322Gln (NM_001406561.1, NM_001406562.1, NM_001406563.1 and 19 more transcripts); c.958A>C, p.Lys320Gln (NM_001406583.1); c.880A>C, p.Lys294Gln (NM_001406584.1, NM_001406585.1, NM_001406586.1 and 2 more transcripts); c.622A>C, p.Lys208Gln (NM_001406589.1); short protein forms K322Q, K347Q, K208Q, K294Q, K320Q, K338Q.
Identifiers: ClinVar variation 1767665 (VCV001767665.2), dbSNP rs1131691167, ClinGen allele CA377460286.